The following is an entry in ClinVar:

NM_004329.3(BMPR1A):c.694A>G (p.Lys232Glu)

Gene: BMPR1A (bone morphogenetic protein receptor type 1A; plus strand). Cytogenetic location: 10q23.2.
Variant type: single nucleotide variant.
Coding change: c.694A>G on transcript NM_004329.3 (MANE Select); coding-DNA position 694, A replaced by G.
Protein change: p.Lys232Glu; replaces lysine 232 with glutamic acid.
Molecular consequence: missense variant.
Genome position (GRCh38, 1-based): chr10:86,917,152, A>G. VCF-style: chr10-86917152-A-G. GRCh37 (hg19) VCF-style: chr10-88676909-A-G.
Other names: short protein forms K232E.
Identifiers: ClinVar variation 629004 (VCV000629004.5), dbSNP rs1564723330, ClinGen allele CA377456969.
Genomic context (GRCh38, chr10:86,917,152, plus strand): 5'-TCTTTCATCAAGAGCTCAAACCTTTTACTTTTTTCTATAAAGGTTCAGCGAACTATTGCC[A>G]AACAGATTCAGATGGTCCGGCAAGTTGGTAAAGGCCGATATGGAGAAGTATGGATGGGCA-3'
Protein context (NP_004320.2, residues 222-242): LPLLVQRTIA[Lys232Glu]QIQMVRQVGK

ClinVar aggregate classification (germline): Uncertain significance (1 of 4 stars; one submission).

Conditions:
Hereditary cancer-predisposing syndrome. Also called: Neoplastic Syndromes, Hereditary; Tumor predisposition; Hereditary neoplastic syndrome; Hereditary Cancer Syndrome. Identifiers: Orphanet 140162, MedGen C0027672, MeSH D009386, MONDO:0015356.

Submission:

Color Diagnostics, LLC DBA Color Health
Classification: Uncertain significance for Hereditary cancer-predisposing syndrome. Last evaluated: 2023-12-04. Review status: criteria provided, single submitter. Criteria: ACMG Guidelines, 2015. Collection method: clinical testing. Allele origin: germline.
Comment: This missense variant replaces lysine with glutamic acid at codon 232 of the BMPR1A protein. Computational prediction suggests that this variant may have deleterious impact on protein structure and function (internally defined REVEL score threshold >= 0.7, PMID: 27666373). To our knowledge, functional studies have not been reported for this variant. This variant has not been reported in individuals affected with BMPR1A-related disorders in the literature. This variant has not been identified in the general population by the Genome Aggregation Database (gnomAD). The available evidence is insufficient to determine the role of this variant in disease conclusively. Therefore, this variant is classified as a Variant of Uncertain Significance.